The following is an entry in ClinVar:

NM_012448.4(STAT5B):c.2359T>C (p.Ser787Pro)

Gene: STAT5B (signal transducer and activator of transcription 5B; minus strand). Cytogenetic location: 17q21.2.
Variant type: single nucleotide variant.
Coding change: c.2359T>C on transcript NM_012448.4 (MANE Select); coding-DNA position 2359, T replaced by C.
Protein change: p.Ser787Pro; replaces serine 787 with proline.
Molecular consequence: missense variant.
Genome position (GRCh38, 1-based): chr17:42,201,743, A>G on the plus strand (T>C on the coding strand, the complement: STAT5B is on the minus strand). VCF-style: chr17-42201743-A-G. GRCh37 (hg19) VCF-style: chr17-40353761-A-G.
Other names: short protein forms S787P.
Identifiers: ClinVar variation 1037184 (VCV001037184.10), dbSNP rs547016204, ClinGen allele CA8573790.

ClinVar aggregate classification (germline): Uncertain significance. Review status: criteria provided, multiple submitters, no conflicts (2 of 4 stars). 2 submissions from 2 submitters: Uncertain significance (2). Last evaluated 2025-10-01.

Conditions:
Growth hormone insensitivity syndrome with immune dysregulation 2, autosomal dominant. Identifiers: MedGen C5436546, MONDO:0100219, OMIM 618985.
Growth hormone insensitivity with immune dysregulation 1, autosomal recessive. Also called: GROWTH HORMONE INSENSITIVITY DUE TO POSTRECEPTOR DEFECT; LARON SYNDROME DUE TO POSTRECEPTOR DEFECT; GROWTH HORMONE INSENSITIVITY SYNDROME WITH IMMUNE DYSREGULATION 1, AUTOSOMAL RECESSIVE; Laron syndrome with immunodeficiency. Identifiers: Orphanet 220465, MedGen C5435698, MONDO:0100211, OMIM 245590.

Allele frequency attached by ClinVar (database versions not stated): gnomAD below 0.00001 and 0.00003; gnomAD exomes 0.00001 and 0.00002; ExAC 0.00005; 1000 Genomes Project 30x 0.00016; 1000 Genomes Project 0.00020.
gnomAD v4.1: 25 of 1,601,090 alleles (0.0016%); highest among the groups gnomAD compares: South Asian, 0.025%; no homozygotes.

Submissions (2):

Labcorp Genetics (formerly Invitae), Labcorp
Classification: Uncertain significance for Growth hormone insensitivity with immune dysregulation 1, autosomal recessive. Last evaluated: 2025-10-01. Review status: criteria provided, single submitter. Criteria: Invitae Variant Classification Sherloc (09022015). Collection method: clinical testing. Allele origin: germline.
Comment: This sequence change replaces serine, which is neutral and polar, with proline, which is neutral and non-polar, at codon 787 of the STAT5B protein (p.Ser787Pro). This variant is present in population databases (rs547016204, gnomAD 0.01%). This variant has not been reported in the literature in individuals affected with STAT5B-related conditions. ClinVar contains an entry for this variant (Variation ID: 1037184). An algorithm developed to predict the effect of missense changes on protein structure and function (PolyPhen-2) suggests that this variant is likely to be tolerated. In summary, the available evidence is currently insufficient to determine the role of this variant in disease. Therefore, it has been classified as a Variant of Uncertain Significance.

Neuberg Centre For Genomic Medicine, NCGM
Classification: Uncertain significance for Growth hormone insensitivity syndrome with immune dysregulation 2, autosomal dominant. Review status: criteria provided, single submitter. Criteria: ACMG Guidelines, 2015. Collection method: clinical testing. Allele origin: germline. Inheritance: Autosomal dominant inheritance. Affected: yes.
Comment: The missense c.2359T>Cp.Ser787Pro variant in STAT5B gene has not been reported previously as a pathogenic variant nor a benign variant, to our knowledge. The p.Ser787Pro variant has been reported with allele frequency of 0.002% in gnomAD Exomes and is novel not in any individuals in 1000 Genomes. This variant has been reported to the ClinVar database as Uncertain Significance. The amino acid change p.Ser787Pro in STAT5B is predicted as conserved by GERP++ and PhyloP across 100 vertebrates. The amino acid Ser at position 787 is changed to a Pro changing protein sequence and it might alter its composition and physico-chemical properties. For these reasons, this variant has been classified as a Variant of Uncertain Significance VUS.